The following is an entry in ClinVar:

ClinVar aggregate classification (germline): Uncertain significance. Review status: criteria provided, multiple submitters, no conflicts (2 of 4 stars). 3 submissions from 3 submitters: Uncertain significance (3). Last evaluated 2022-03-15.

Conditions:
Neurofibromatosis, type 1 (NF1). Also called: Peripheral type neurofibromatosis; Neurofibromatosis, type I; VON RECKLINGHAUSEN DISEASE; NEUROFIBROMATOSIS, TYPE I, SOMATIC. Identifiers: Orphanet 636, MedGen C0027831, MONDO:0018975, OMIM 162200. Disease mechanism: loss of function.

Submissions (3):

Genome-Nilou Lab
Classification: Uncertain significance for Neurofibromatosis, type 1. Last evaluated: 2022-03-15. Review status: criteria provided, single submitter. Criteria: ACMG Guidelines, 2015. Collection method: clinical testing. Allele origin: germline. Affected: no.

Labcorp Genetics (formerly Invitae), Labcorp
Classification: Uncertain significance for Neurofibromatosis, type 1. Last evaluated: 2021-10-04. Review status: criteria provided, single submitter. Criteria: Invitae Variant Classification Sherloc (09022015). Collection method: clinical testing. Allele origin: germline.
Comment: In summary, the available evidence is currently insufficient to determine the role of this variant in disease. Therefore, it has been classified as a Variant of Uncertain Significance. Advanced modeling of protein sequence and biophysical properties (such as structural, functional, and spatial information, amino acid conservation, physicochemical variation, residue mobility, and thermodynamic stability) performed at Invitae indicates that this missense variant is not expected to disrupt NF1 protein function. This variant has not been reported in the literature in individuals affected with NF1-related conditions. This variant is not present in population databases (ExAC no frequency). This sequence change replaces proline with serine at codon 2451 of the NF1 protein (p.Pro2451Ser). The proline residue is moderately conserved and there is a moderate physicochemical difference between proline and serine.

Genetic Services Laboratory, University of Chicago
Classification: Uncertain significance. Last evaluated: 2021-09-22. Review status: criteria provided, single submitter. Criteria: ACMG Guidelines, 2015. Collection method: clinical testing. Allele origin: germline. Affected: no.

NM_001042492.3(NF1):c.7414C>T (p.Pro2472Ser)

Gene: NF1 (neurofibromin 1; plus strand). Cytogenetic location: 17q11.2.
Variant type: single nucleotide variant.
Coding change: c.7414C>T on transcript NM_001042492.3 (MANE Select); coding-DNA position 7414, C replaced by T.
Protein change: p.Pro2472Ser; replaces proline 2472 with serine.
Molecular consequence: missense variant.
Genome position (GRCh38, 1-based): chr17:31,350,275, C>T. VCF-style: chr17-31350275-C-T. GRCh37 (hg19) VCF-style: chr17-29677293-C-T.
Other names: c.7351C>T, p.Pro2451Ser (NM_000267.4); short protein forms P2451S, P2472S.
Identifiers: ClinVar variation 1338087 (VCV001338087.10), dbSNP rs2151574519, ClinGen allele CA399017138.